The following is an entry in ClinVar:

ClinVar aggregate classification (germline): Uncertain significance. Review status: criteria provided, multiple submitters, no conflicts (2 of 4 stars). 2 submissions from 2 submitters: Uncertain significance (2). Last evaluated 2022-10-03.

Conditions:
Familial acute necrotizing encephalopathy (IIAE3). Also called: ENCEPHALOPATHY, ACUTE, INFECTION-INDUCED, SUSCEPTIBILITY TO, 3; Susceptibility to Acute Necrotizing Encephalopathy 1. Identifiers: Orphanet 88619, MedGen C2675556, MONDO:0011953, OMIM 608033.

Allele frequency attached by ClinVar (database versions not stated): gnomAD exomes below 0.00001 and 0.00001; gnomAD 0.00001; TOPMed 0.00001.

Submissions (2):

Ambry Genetics
Classification: Uncertain significance. Last evaluated: 2022-10-03. Review status: criteria provided, single submitter. Criteria: Ambry Variant Classification Scheme 2023. Collection method: clinical testing. Allele origin: germline.

Labcorp Genetics (formerly Invitae), Labcorp
Classification: Uncertain significance for Familial acute necrotizing encephalopathy. Last evaluated: 2022-02-08. Review status: criteria provided, single submitter. Criteria: Invitae Variant Classification Sherloc (09022015). Collection method: clinical testing. Allele origin: germline.
Comment: This variant has not been reported in the literature in individuals affected with RANBP2-related conditions. In summary, the available evidence is currently insufficient to determine the role of this variant in disease. Therefore, it has been classified as a Variant of Uncertain Significance. Algorithms developed to predict the effect of missense changes on protein structure and function are either unavailable or do not agree on the potential impact of this missense change (SIFT: "Deleterious"; PolyPhen-2: "Benign"; Align-GVGD: "Class C0"). ClinVar contains an entry for this variant (Variation ID: 936057). This variant is present in population databases (no rsID available, gnomAD 0.006%). This sequence change replaces methionine, which is neutral and non-polar, with leucine, which is neutral and non-polar, at codon 1252 of the RANBP2 protein (p.Met1252Leu).

NM_006267.5(RANBP2):c.3754A>T (p.Met1252Leu)

Gene: RANBP2 (RAN binding protein 2; plus strand). Cytogenetic location: 2q13.
Variant type: single nucleotide variant.
Coding change: c.3754A>T on transcript NM_006267.5 (MANE Select); coding-DNA position 3754, A replaced by T.
Protein change: p.Met1252Leu; replaces methionine 1252 with leucine.
Molecular consequence: missense variant.
Genome position (GRCh38, 1-based): chr2:108,764,293, A>T. VCF-style: chr2-108764293-A-T. GRCh37 (hg19) VCF-style: chr2-109380749-A-T.
Other names: short protein forms M1252L.
Identifiers: ClinVar variation 936057 (VCV000936057.11), dbSNP rs1288871552, ClinGen allele CA348063372.